The following is an entry in ClinVar:

NM_000875.5(IGF1R):c.3722+4C>A

Gene: IGF1R (insulin like growth factor 1 receptor; plus strand). Cytogenetic location: 15q26.3.
Variant type: single nucleotide variant.
Coding change: c.3722+4C>A on transcript NM_000875.5 (MANE Select); 4 bases into the intron after coding-DNA position 3722, C replaced by A.
Molecular consequence: intron variant.
Genome position (GRCh38, 1-based): chr15:98,948,712, C>A. VCF-style: chr15-98948712-C-A. GRCh37 (hg19) VCF-style: chr15-99491941-C-A.
Other names: c.3719+4C>A (NM_001291858.2).
Identifiers: ClinVar variation 3902198 (VCV003902198.1).

ClinVar aggregate classification (germline): Uncertain significance (1 of 4 stars; one submission).

Submission:

Women's Health and Genetics/Laboratory Corporation of America, LabCorp
Classification: Uncertain significance. Last evaluated: 2025-05-14. Review status: criteria provided, single submitter. Criteria: LabCorp Variant Classification Summary - May 2015. Collection method: clinical testing. Allele origin: germline.
Comment: Variant summary: IGF1R c.3722+4C>A alters a conserved nucleotide located close to a canonical splice site and therefore could affect mRNA splicing, leading to a significantly altered protein sequence. Consensus agreement among computation tools predict no significant impact on normal splicing. However, these predictions have yet to be confirmed by functional studies. The variant was absent in 251392 control chromosomes (gnomAD). The available data on variant occurrences in the general population are insufficient to allow any conclusion about variant significance. To our knowledge, no occurrence of c.3722+4C>A in individuals affected with Growth Delay Due To Insulin-Like Growth Factor I Resistance and no experimental evidence demonstrating its impact on protein function have been reported. No submitters have cited clinical-significance assessments for this variant to ClinVar. Based on the evidence outlined above, the variant was classified as uncertain significance.